The following is an entry in ClinVar:

ClinVar aggregate classification (germline): Benign/Likely benign. Review status: criteria provided, multiple submitters, no conflicts (2 of 4 stars). 3 submissions from 3 submitters: Benign (1); Likely benign (2). Last evaluated 2024-07-18.

Conditions:
Hereditary cancer-predisposing syndrome. Also called: Hereditary Cancer Syndrome; Tumor predisposition; Neoplastic Syndromes, Hereditary; Hereditary neoplastic syndrome. Identifiers: Orphanet 140162, MedGen C0027672, MeSH D009386, MONDO:0015356.
Familial cancer of breast. Also called: hereditary breast carcinoma; BREAST CANCER, FAMILIAL; Hereditary breast cancer. Identifiers: Orphanet 227535, MedGen C0346153, MONDO:0016419, OMIM 114480. Disease mechanism: loss of function.

Submissions (3):

Myriad Genetics, Inc.
Classification: Benign for Familial cancer of breast. Last evaluated: 2024-07-18. Review status: criteria provided, single submitter. Criteria: Myriad Autosomal Dominant, Autosomal Recessive and X-Linked Classification Criteria (2023). Collection method: clinical testing. Allele origin: unknown.
Comment: This variant is considered benign. This variant is a silent/synonymous amino acid change and it is not expected to impact splicing.

Labcorp Genetics (formerly Invitae), Labcorp
Classification: Likely benign for Familial cancer of breast. Last evaluated: 2023-08-27. Review status: criteria provided, single submitter. Criteria: Invitae Variant Classification Sherloc (09022015). Collection method: clinical testing. Allele origin: germline.

Ambry Genetics
Classification: Likely benign for Hereditary cancer-predisposing syndrome. Last evaluated: 2021-07-13. Review status: criteria provided, single submitter. Criteria: Ambry Variant Classification Scheme 2023. Collection method: clinical testing. Allele origin: germline.

NM_000465.4(BARD1):c.126C>T (p.Asp42=)

Gene: BARD1 (BRCA1 associated RING domain 1; minus strand). Cytogenetic location: 2q35.
Variant type: single nucleotide variant.
Coding change: c.126C>T on transcript NM_000465.4 (MANE Select); coding-DNA position 126, C replaced by T.
Protein change: p.Asp42=; no amino-acid change (aspartic acid 42 retained).
Molecular consequence: synonymous variant. On other transcripts: non-coding transcript variant (3).
Genome position (GRCh38, 1-based): chr2:214,809,444, G>A on the plus strand (C>T on the coding strand, the complement: BARD1 is on the minus strand). VCF-style: chr2-214809444-G-A. GRCh37 (hg19) VCF-style: chr2-215674168-G-A.
Other names: c.126C>T, p.Asp42= (NM_001282543.2, NM_001282545.2, NM_001282548.2 and 1 more transcripts).
Identifiers: ClinVar variation 1573524 (VCV001573524.12), dbSNP rs2106170963, ClinGen allele CA350464916.